The following is an entry in ClinVar:

ClinVar aggregate classification (germline): Uncertain significance (1 of 4 stars; one submission).

Allele frequency attached by ClinVar (database versions not stated): TOPMed below 0.00001.

Submission:

Labcorp Genetics (formerly Invitae), Labcorp
Classification: Uncertain significance. Last evaluated: 2022-07-19. Review status: criteria provided, single submitter. Criteria: Invitae Variant Classification Sherloc (09022015). Collection method: clinical testing. Allele origin: germline.
Comment: ClinVar contains an entry for this variant (Variation ID: 1497441). In summary, the available evidence is currently insufficient to determine the role of this variant in disease. Therefore, it has been classified as a Variant of Uncertain Significance. Algorithms developed to predict the effect of missense changes on protein structure and function are either unavailable or do not agree on the potential impact of this missense change (SIFT: "Deleterious"; PolyPhen-2: "Benign"; Align-GVGD: "Class C0"). This variant has not been reported in the literature in individuals affected with MTPAP-related conditions. This variant is not present in population databases (gnomAD no frequency). This sequence change replaces phenylalanine, which is neutral and non-polar, with leucine, which is neutral and non-polar, at codon 295 of the MTPAP protein (p.Phe295Leu).

NM_018109.4(MTPAP):c.883T>C (p.Phe295Leu)

Gene: MTPAP (mitochondrial poly(A) polymerase; minus strand). Cytogenetic location: 10p11.23.
Variant type: single nucleotide variant.
Coding change: c.883T>C on transcript NM_018109.4 (MANE Select); coding-DNA position 883, T replaced by C.
Protein change: p.Phe295Leu; replaces phenylalanine 295 with leucine.
Molecular consequence: missense variant.
Genome position (GRCh38, 1-based): chr10:30,326,533, A>G on the plus strand (T>C on the coding strand, the complement: MTPAP is on the minus strand). VCF-style: chr10-30326533-A-G. GRCh37 (hg19) VCF-style: chr10-30615462-A-G.
Other names: short protein forms F295L.
Identifiers: ClinVar variation 1497441 (VCV001497441.6), dbSNP rs1834599450, ClinGen allele CA376422103.